The following is an entry in ClinVar:

ClinVar aggregate classification (germline): Uncertain significance (1 of 4 stars; one submission).

Conditions:
Hereditary spastic paraplegia 39 (SPG39). Also called: SPASTIC PARAPLEGIA 39, AUTOSOMAL RECESSIVE; Spastic Paraplegia Type 39 (SPG39). Identifiers: Orphanet 139480, MedGen C2677586, MONDO:0012787, OMIM 612020.

Allele frequency attached by ClinVar (database versions not stated): gnomAD exomes below 0.00001; gnomAD 0.00002; TOPMed 0.00002.
gnomAD v4.1: 4 of 1,608,888 alleles (0.00025%); highest among the groups gnomAD compares: African/African-American, 0.0055%; no homozygotes.

Submission:

Labcorp Genetics (formerly Invitae), Labcorp
Classification: Uncertain significance for Hereditary spastic paraplegia 39. Last evaluated: 2022-08-23. Review status: criteria provided, single submitter. Criteria: Invitae Variant Classification Sherloc (09022015). Collection method: clinical testing. Allele origin: germline.
Comment: This sequence change replaces glycine, which is neutral and non-polar, with serine, which is neutral and polar, at codon 1263 of the PNPLA6 protein (p.Gly1263Ser). This variant is present in population databases (no rsID available, gnomAD 0.01%). This variant has not been reported in the literature in individuals affected with PNPLA6-related conditions. ClinVar contains an entry for this variant (Variation ID: 1473613). Algorithms developed to predict the effect of missense changes on protein structure and function output the following: SIFT: "Deleterious"; PolyPhen-2: "Benign"; Align-GVGD: "Class C0". The serine amino acid residue is found in multiple mammalian species, which suggests that this missense change does not adversely affect protein function. Algorithms developed to predict the effect of sequence changes on RNA splicing suggest that this variant may create or strengthen a splice site. In summary, the available evidence is currently insufficient to determine the role of this variant in disease. Therefore, it has been classified as a Variant of Uncertain Significance.

NM_001166114.2(PNPLA6):c.3901G>A (p.Gly1301Ser)

Gene: PNPLA6 (patatin like domain 6, lysophospholipase; plus strand). Cytogenetic location: 19p13.2.
Variant type: single nucleotide variant.
Coding change: c.3901G>A on transcript NM_001166114.2 (MANE Select); coding-DNA position 3901, G replaced by A.
Protein change: p.Gly1301Ser; replaces glycine 1301 with serine.
Molecular consequence: missense variant.
Genome position (GRCh38, 1-based): chr19:7,561,098, G>A. VCF-style: chr19-7561098-G-A. GRCh37 (hg19) VCF-style: chr19-7625984-G-A.
Other names: c.3931G>A, p.Gly1311Ser (NM_001166111.2); c.3706G>A, p.Gly1236Ser (NM_001166112.2); c.3787G>A, p.Gly1263Ser (NM_001166113.1, NM_006702.5); short protein forms G1263S, G1236S, G1301S, G1311S.
Identifiers: ClinVar variation 1473613 (VCV001473613.5), dbSNP rs1350448949, ClinGen allele CA403138769.